The following is an entry in ClinVar:

NM_002972.4(SBF1):c.4130T>C (p.Ile1377Thr)

Gene: SBF1 (SET binding factor 1; minus strand). Cytogenetic location: 22q13.33.
Variant type: single nucleotide variant.
Coding change: c.4130T>C on transcript NM_002972.4 (MANE Select); coding-DNA position 4130, T replaced by C.
Protein change: p.Ile1377Thr; replaces isoleucine 1377 with threonine.
Molecular consequence: missense variant.
Genome position (GRCh38, 1-based): chr22:50,456,352, A>G on the plus strand (T>C on the coding strand, the complement: SBF1 is on the minus strand). VCF-style: chr22-50456352-A-G. GRCh37 (hg19) VCF-style: chr22-50894781-A-G.
Other names: c.4130T>C (NM_002972.2); c.4055T>C, p.Ile1352Thr (NM_001365819.1); short protein forms I1352T, I1377T.
Identifiers: ClinVar variation 1441993 (VCV001441993.8), dbSNP rs376598966, ClinGen allele CA10316372.

ClinVar aggregate classification (germline): Uncertain significance. Review status: criteria provided, multiple submitters, no conflicts (2 of 4 stars). 3 submissions from 3 submitters: Uncertain significance (3). Last evaluated 2025-12-10.

Allele frequency attached by ClinVar (database versions not stated): gnomAD 0.00009 and 0.00008; 1000 Genomes Project 30x 0.00016; ExAC 0.00003; 1000 Genomes Project 0.00020; gnomAD exomes 0.00002 and 0.00003; TOPMed 0.00008; ESP Exome Variant Server 0.00024.
gnomAD v4.1: 43 of 1,613,284 alleles (0.0027%); highest among the groups gnomAD compares: African/African-American, 0.027%; no homozygotes.

Submissions (3):

GeneDx
Classification: Uncertain significance. Last evaluated: 2025-12-10. Review status: criteria provided, single submitter. Criteria: GeneDx Variant Classification Process June 2021. Collection method: clinical testing. Allele origin: germline. Affected: yes.
Comment: In silico analysis supports that this missense variant has a deleterious effect on protein structure/function; Has not been previously published as pathogenic or benign to our knowledge

Ambry Genetics
Classification: Uncertain significance. Last evaluated: 2024-10-29. Review status: criteria provided, single submitter. Criteria: Ambry Variant Classification Scheme 2023. Collection method: clinical testing. Allele origin: germline.

Labcorp Genetics (formerly Invitae), Labcorp
Classification: Uncertain significance. Last evaluated: 2024-06-06. Review status: criteria provided, single submitter. Criteria: Invitae Variant Classification Sherloc (09022015). Collection method: clinical testing. Allele origin: germline.
Comment: This sequence change replaces isoleucine, which is neutral and non-polar, with threonine, which is neutral and polar, at codon 1377 of the SBF1 protein (p.Ile1377Thr). This variant is present in population databases (rs376598966, gnomAD 0.03%). This variant has not been reported in the literature in individuals affected with SBF1-related conditions. ClinVar contains an entry for this variant (Variation ID: 1441993). Advanced modeling of protein sequence and biophysical properties (such as structural, functional, and spatial information, amino acid conservation, physicochemical variation, residue mobility, and thermodynamic stability) performed at Invitae indicates that this missense variant is not expected to disrupt SBF1 protein function with a negative predictive value of 80%. In summary, the available evidence is currently insufficient to determine the role of this variant in disease. Therefore, it has been classified as a Variant of Uncertain Significance.